The following is an entry in ClinVar:

ClinVar aggregate classification (germline): Pathogenic (1 of 4 stars; one submission).

Submission:

Labcorp Genetics (formerly Invitae), Labcorp
Classification: Pathogenic. Last evaluated: 2023-04-22. Review status: criteria provided, single submitter. Criteria: Invitae Variant Classification Sherloc (09022015). Collection method: clinical testing. Allele origin: unknown.
Comment: For these reasons, this variant has been classified as Pathogenic. This variant disrupts a region of the COL4A4 protein in which other variant(s) (p.Gly774Arg) have been determined to be pathogenic (PMID: 17396119, 26934356, 28632965, 33532864, 34584596). This suggests that this is a clinically significant region of the protein, and that variants that disrupt it are likely to be disease-causing. This variant has not been reported in the literature in individuals affected with COL4A4-related conditions. This variant is a gross deletion of the genomic region encompassing exon(s) 28 of the COL4A4 gene. This variant would be expected to be in-frame, preserving the integrity of the reading frame.

Literature cited by the submitters: PubMed 17396119; PubMed 26934356; PubMed 28632965; PubMed 33532864; PubMed 34584596.

NC_000002.11:g.(?_227924101)_(227924359_?)del

Gene: COL4A4 (collagen type IV alpha 4 chain; minus strand). Cytogenetic location: 2q36.3.
Variant type: Deletion.
Identifiers: ClinVar variation 3247443 (VCV003247443.1).